The following is an entry in ClinVar:

NM_205836.3(FBXO38):c.617G>C (p.Cys206Ser)

Gene: FBXO38 (F-box protein 38; plus strand). Cytogenetic location: 5q32.
Variant type: single nucleotide variant.
Coding change: c.617G>C on transcript NM_205836.3 (MANE Select); coding-DNA position 617, G replaced by C.
Protein change: p.Cys206Ser; replaces cysteine 206 with serine.
Molecular consequence: missense variant.
Genome position (GRCh38, 1-based): chr5:148,404,709, G>C. VCF-style: chr5-148404709-G-C. GRCh37 (hg19) VCF-style: chr5-147784272-G-C.
Other names: c.617G>C, p.Cys206Ser (NM_001271723.2, NM_030793.5); short protein forms C206S.
Identifiers: ClinVar variation 839326 (VCV000839326.11), dbSNP rs757064226, ClinGen allele CA3497082.

ClinVar aggregate classification (germline): Uncertain significance (1 of 4 stars; one submission).

Conditions:
Distal hereditary motor neuropathy type 2. Identifiers: Orphanet 139525, MedGen C3711384, MeSH C580044, MONDO:0015352.

Allele frequency attached by ClinVar (database versions not stated): gnomAD exomes below 0.00001; ExAC 0.00001.
gnomAD v4.1: 20 of 1,584,340 alleles (0.0013%); highest among the groups gnomAD compares: Non-Finnish European, 0.0017%; no homozygotes.

Submission:

Labcorp Genetics (formerly Invitae), Labcorp
Classification: Uncertain significance for Distal hereditary motor neuropathy type 2. Last evaluated: 2023-06-24. Review status: criteria provided, single submitter. Criteria: Invitae Variant Classification Sherloc (09022015). Collection method: clinical testing. Allele origin: germline.
Comment: This sequence change replaces cysteine, which is neutral and slightly polar, with serine, which is neutral and polar, at codon 206 of the FBXO38 protein (p.Cys206Ser). This variant is present in population databases (rs757064226, gnomAD 0.0009%). In summary, the available evidence is currently insufficient to determine the role of this variant in disease. Therefore, it has been classified as a Variant of Uncertain Significance. This variant disrupts the p.Cys206 amino acid residue in FBXO38. Other variant(s) that disrupt this residue have been determined to be pathogenic (PMID: 24207122). This suggests that this residue is clinically significant, and that variants that disrupt this residue are likely to be disease-causing. Advanced modeling of protein sequence and biophysical properties (such as structural, functional, and spatial information, amino acid conservation, physicochemical variation, residue mobility, and thermodynamic stability) performed at Invitae indicates that this missense variant is not expected to disrupt FBXO38 protein function. ClinVar contains an entry for this variant (Variation ID: 839326). This variant has not been reported in the literature in individuals affected with FBXO38-related conditions.

Literature cited by the submitters: PubMed 24207122.